The following is an entry in ClinVar:

NM_000535.7(PMS2):c.964G>A (p.Val322Ile)

Gene: PMS2 (PMS1 homolog 2, mismatch repair system component; minus strand). Cytogenetic location: 7p22.1.
Variant type: single nucleotide variant.
Coding change: c.964G>A on transcript NM_000535.7 (MANE Select); coding-DNA position 964, G replaced by A.
Protein change: p.Val322Ile; replaces valine 322 with isoleucine.
Molecular consequence: missense variant. On other transcripts: non-coding transcript variant (1).
Genome position (GRCh38, 1-based): chr7:5,991,997, C>T on the plus strand (G>A on the coding strand, the complement: PMS2 is on the minus strand). VCF-style: chr7-5991997-C-T. GRCh37 (hg19) VCF-style: chr7-6031628-C-T.
Other names: p.V322I:GTT>ATT; c.559G>A, p.Val187Ile (NM_001322003.2, NM_001322004.2, NM_001322005.2 and 2 more transcripts); c.964G>A, p.Val322Ile (NM_001322006.2, NM_001322014.2); c.646G>A, p.Val216Ile (NM_001322007.2, NM_001322008.2); c.31G>A, p.Val11Ile (NM_001322011.2, NM_001322012.2); c.391G>A, p.Val131Ile (NM_001322013.2); c.655G>A, p.Val219Ile (NM_001322015.2); short protein forms V322I, V131I, V216I, V219I, V11I, V187I.
Identifiers: ClinVar variation 142066 (VCV000142066.35), dbSNP rs587782208, ClinGen allele CA013385.

ClinVar aggregate classification (germline): Uncertain significance. Review status: criteria provided, multiple submitters, no conflicts (2 of 4 stars). 11 submissions from 11 submitters: Uncertain significance (10). 1 of the submissions does not count toward it. Last evaluated 2026-01-28.

Conditions:
Hereditary nonpolyposis colorectal neoplasms. Identifiers: MedGen C0009405, MeSH D003123.
Hereditary cancer-predisposing syndrome. Also called: Neoplastic Syndromes, Hereditary; Tumor predisposition; Hereditary Cancer Syndrome; Hereditary neoplastic syndrome. Identifiers: Orphanet 140162, MedGen C0027672, MeSH D009386, MONDO:0015356.
Lynch syndrome. Identifiers: Orphanet 144, MedGen C4552100, MONDO:0005835. Disease mechanism: loss of function.
Lynch syndrome 4 (LYNCH4). Also called: Colorectal cancer, hereditary nonpolyposis, type 4; Hereditary non-polyposis colorectal cancer, type 4. Identifiers: Orphanet 144, MedGen C1838333, MONDO:0013699, OMIM 614337. Disease mechanism: loss of function.

Allele frequency attached by ClinVar (database versions not stated): gnomAD exomes below 0.00001 and 0.00001; ExAC 0.00001; gnomAD 0.00002; TOPMed 0.00002.
gnomAD v4.1: 9 of 1,594,678 alleles (0.00056%); highest among the groups gnomAD compares: Admixed American, 0.0017%; no homozygotes.

Submissions (11):

Labcorp Genetics (formerly Invitae), Labcorp
Classification: Uncertain significance for Hereditary nonpolyposis colorectal neoplasms. Last evaluated: 2026-01-28. Review status: criteria provided, single submitter. Criteria: Invitae Variant Classification Sherloc (09022015). Collection method: clinical testing. Allele origin: germline.
Comment: This sequence change replaces valine, which is neutral and non-polar, with isoleucine, which is neutral and non-polar, at codon 322 of the PMS2 protein (p.Val322Ile). This variant is present in population databases (rs587782208, gnomAD 0.003%). This missense change has been observed in individual(s) with breast cancer (PMID: 25186627). ClinVar contains an entry for this variant (Variation ID: 142066). Invitae Evidence Modeling incorporating data from in vitro experimental studies (internal data) indicates that this missense variant is not expected to disrupt PMS2 function with a negative predictive value of 95%. In summary, the available evidence is currently insufficient to determine the role of this variant in disease. Therefore, it has been classified as a Variant of Uncertain Significance.

Quest Diagnostics Nichols Institute San Juan Capistrano
Classification: Uncertain significance. Last evaluated: 2025-10-20. Review status: criteria provided, single submitter. Criteria: Quest Diagnostics criteria. Collection method: clinical testing. Allele origin: unknown.
Comment: The PMS2 c.964G>A (p.Val322Ile) variant has been reported in the published literature in an individual affected with breast cancer (PMID: 25186627 (2015)). The frequency of this variant in the general population (Genome Aggregation Database) is uninformative in the assessment of its pathogenicity. Analysis of this variant using bioinformatics tools for the prediction of the effect of amino acid changes on protein structure and function yielded conflicting predictions that this variant is benign or damaging. Based on the available information, we are unable to determine the clinical significance of this variant.

GeneDx
Classification: Uncertain significance. Last evaluated: 2025-03-13. Review status: criteria provided, single submitter. Criteria: GeneDx Variant Classification Process June 2021. Collection method: clinical testing. Allele origin: germline. Affected: yes.
Comment: Not observed at significant frequency in large population cohorts (gnomAD); In silico analysis indicates that this missense variant does not alter protein structure/function; Observed in an individual with breast cancer (PMID: 25186627); This variant is associated with the following publications: (PMID: 26333163, 25186627, 11574484)

Ambry Genetics
Classification: Uncertain significance for Hereditary cancer-predisposing syndrome. Last evaluated: 2025-01-16. Review status: criteria provided, single submitter. Criteria: Ambry Variant Classification Scheme 2023. Collection method: clinical testing. Allele origin: germline.
Comment: The p.V322I variant (also known as c.964G>A), located in coding exon 9 of the PMS2 gene, results from a G to A substitution at nucleotide position 964. The valine at codon 322 is replaced by isoleucine, an amino acid with highly similar properties. This variant was observed in an individual with early onset-breast cancer amongst a cohort of 1781 non-Ashkenazi Jewish individuals undergoing BRCA1/2 gene testing based on a personal history of breast cancer (Tung N et al. Cancer, 2015 Jan;121:25-33). This variant was identified in a cohort of 3,579 African males diagnosed with prostate cancer who underwent multi-gene panel testing of 19 DNA repair and cancer predisposition genes (Matejcic M et al. JCO Precis Oncol, 2020 Jan;4:32-43). This amino acid position is well conserved in available vertebrate species. In addition, the in silico prediction for this alteration is inconclusive. Based on the available evidence, the clinical significance of this variant remains unclear.

All of Us Research Program, National Institutes of Health
Classification: Uncertain significance for Lynch syndrome. Last evaluated: 2024-09-23. Review status: criteria provided, single submitter. Criteria: ACMG Guidelines, 2015. Collection method: clinical testing. Allele origin: germline. Inheritance: Autosomal dominant inheritance. Observed: 9 variant alleles, 9 heterozygotes.
Comment: This missense variant replaces valine with isoleucine at codon 322 of the PMS2 protein. Computational prediction suggests that this variant may not impact protein structure and function (internally defined REVEL score threshold <= 0.5, PMID: 27666373). To our knowledge, functional studies have not been reported for this variant. This variant has been reported in one individual affected with breast cancer (PMID: 25186627). This variant has been identified in 2/251258 chromosomes in the general population by the Genome Aggregation Database (gnomAD). The available evidence is insufficient to determine the role of this variant in disease conclusively. Therefore, this variant is classified as a Variant of Uncertain Significance.

This study involves interpretation of variants in research participants for the purpose of population health screening. Participant phenotype was not available at the time of variant classification. Additional details can be found in publication PMID: 35346344, PMCID: PMC8962531

Color Diagnostics, LLC DBA Color Health
Classification: Uncertain significance for Hereditary cancer-predisposing syndrome. Last evaluated: 2024-05-09. Review status: criteria provided, single submitter. Criteria: ACMG Guidelines, 2015. Collection method: clinical testing. Allele origin: germline.
Comment: This missense variant replaces valine with isoleucine at codon 322 of the PMS2 protein. Computational prediction suggests that this variant may not impact protein structure and function (internally defined REVEL score threshold <= 0.5, PMID: 27666373). To our knowledge, functional studies have not been reported for this variant. This variant has been reported in an individual affected with breast cancer (PMID: 25186627). This variant has been identified in 2/251258 chromosomes in the general population by the Genome Aggregation Database (gnomAD). The available evidence is insufficient to determine the role of this variant in disease conclusively. Therefore, this variant is classified as a Variant of Uncertain Significance.

Baylor Genetics
Classification: Uncertain significance for Lynch syndrome 4. Last evaluated: 2024-02-05. Review status: criteria provided, single submitter. Criteria: ACMG Guidelines, 2015. Collection method: clinical testing. Allele origin: unknown.

Department of Pathology and Laboratory Medicine, Sinai Health System
Classification: Uncertain significance for Lynch syndrome. Last evaluated: 2023-08-29. Review status: criteria provided, single submitter. Criteria: ACMG Guidelines, 2015. Collection method: clinical testing. Allele origin: germline. Affected: yes.

Myriad Genetics, Inc.
Classification: Uncertain significance for Lynch syndrome 4. Last evaluated: 2023-04-04. Review status: criteria provided, single submitter. Criteria: Myriad Autosomal Dominant, Autosomal Recessive and X-Linked Classification Criteria (2023). Collection method: clinical testing. Allele origin: unknown.
Comment: This variant is classified as a variant of uncertain significance as there is insufficient evidence to determine its impact on protein function and/or cancer risk.

Women's Health and Genetics/Laboratory Corporation of America, LabCorp
Classification: Uncertain significance. Last evaluated: 2017-09-18. Review status: criteria provided, single submitter. Criteria: LabCorp Variant Classification Summary - May 2015. Collection method: clinical testing. Allele origin: germline.
Comment: Variant summary: The PMS2 c.964G>A (p.Val322Ile) variant located in the Ribosomal protein S5 domain 2-type fold (via InterPro) involves the alteration of a conserved nucleotide and 2/4 in silico tools predict a benign outcome for this variant (SNPsandGO not captured due to low reliability index). However, these predictions have yet to be functionally assessed. This variant was found in 2/246084 control chromosomes at a frequency of 0.0000081, which does not exceed the estimated maximal expected allele frequency of a pathogenic PMS2 variant (0.0001136). However, the technology utilized for this dataset do not rule out pseudogene interference and thus this data needs to be cautiously considered. A publication, Tung_2015, reports the variant to have been found in one BrC pt, however, limited information is provided (ie, lack of cosegregation data). Multiple clinical diagnostic laboratories/reputable databases classified this variant as uncertain significance. Because of the absence of clinical information and the lack of functional studies, the variant is classified as a "Variant of Uncertain Significance (VUS)," until additional information becomes available.

Counsyl
Classification: Uncertain significance for Lynch syndrome 4. Last evaluated: 2016-04-28. Review status: no assertion criteria provided. Collection method: clinical testing. Allele origin: unknown. Not counted in ClinVar's aggregate classification.

Literature cited by the submitters: PubMed 25186627 (cited by 8 submitters); PubMed 32832836 (cited by Quest Diagnostics Nichols Institute San Juan Capistrano and Ambry Genetics); PubMed 26333163 (cited by Women's Health and Genetics/Laboratory Corporation of America, LabCorp).